The following is an entry in ClinVar:

ClinVar aggregate classification (germline): Benign (1 of 4 stars; one submission).

Allele frequency attached by ClinVar (database versions not stated): ESP Exome Variant Server 0.11208; gnomAD 0.12657 and 0.12954; TOPMed 0.13812; gnomAD exomes 0.14574 and 0.16233; ExAC 0.15100; 1000 Genomes Project 0.16374; 1000 Genomes Project 30x 0.16396.

Submission:

GeneDx
Classification: Benign. Last evaluated: 2018-06-14. Review status: criteria provided, single submitter. Criteria: GeneDx Variant Classification (06012015). Collection method: clinical testing. Allele origin: germline. Affected: yes.
Comment: This variant is considered likely benign or benign based on one or more of the following criteria: it is a conservative change, it occurs at a poorly conserved position in the protein, it is predicted to be benign by multiple in silico algorithms, and/or has population frequency not consistent with disease.

NM_001083961.2(WDR62):c.2467+46_2467+47del

Gene: WDR62 (WD repeat domain 62; plus strand). Cytogenetic location: 19q13.12.
Variant type: Deletion.
Coding change: c.2467+46_2467+47del on transcript NM_001083961.2 (MANE Select); bases 46 to 47 of the intron after coding-DNA position 2467, 2 bases deleted (AT; older notation c.2467+46_2467+47delAT).
Molecular consequence: intron variant.
Genome position (GRCh38, 1-based): chr19:36,094,210-36,094,211, AT deleted. VCF-style (leftmost placement, unchanged base first): chr19-36094209-CAT-C. GRCh37 (hg19) VCF-style: chr19-36585111-CAT-C.
Other names: c.2467+46_2467+47del (NM_173636.5).
Identifiers: ClinVar variation 673958 (VCV000673958.1), dbSNP rs60492874, ClinGen allele CA9395942.